The following is an entry in ClinVar:

ClinVar aggregate classification (germline): Uncertain significance (1 of 4 stars; one submission).

Conditions:
Hereditary cancer-predisposing syndrome. Also called: Tumor predisposition; Neoplastic Syndromes, Hereditary; Hereditary neoplastic syndrome; Hereditary Cancer Syndrome. Identifiers: Orphanet 140162, MedGen C0027672, MeSH D009386, MONDO:0015356.

Submission:

Ambry Genetics
Classification: Uncertain significance for Hereditary cancer-predisposing syndrome. Last evaluated: 2024-11-11. Review status: criteria provided, single submitter. Criteria: Ambry Variant Classification Scheme 2023. Collection method: clinical testing. Allele origin: germline.
Comment: The p.G235A variant (also known as c.704G>C), located in coding exon 3 of the SMARCA4 gene, results from a G to C substitution at nucleotide position 704. The glycine at codon 235 is replaced by alanine, an amino acid with similar properties. This amino acid position is conserved. In addition, the in silico prediction for this alteration is inconclusive. Based on the available evidence, the clinical significance of this variant remains unclear.

NM_003072.5(SMARCA4):c.704G>C (p.Gly235Ala)

Gene: SMARCA4 (SWI/SNF related BAF chromatin remodeling complex subunit ATPase 4; plus strand). Cytogenetic location: 19p13.2.
Variant type: single nucleotide variant.
Coding change: c.704G>C on transcript NM_003072.5 (MANE Select); coding-DNA position 704, G replaced by C.
Protein change: p.Gly235Ala; replaces glycine 235 with alanine.
Molecular consequence: missense variant. On other transcripts: non-coding transcript variant (1).
Genome position (GRCh38, 1-based): chr19:10,986,537, G>C. VCF-style: chr19-10986537-G-C. GRCh37 (hg19) VCF-style: chr19-11097213-G-C.
Other names: c.704G>C, p.Gly235Ala (NM_001128844.3, NM_001128845.2, NM_001128846.2 and 6 more transcripts); short protein forms G235A.
Identifiers: ClinVar variation 3446025 (VCV003446025.1).